The following is an entry in ClinVar:

NM_000138.5(FBN1):c.1454G>A (p.Arg485His)

Gene: FBN1 (fibrillin 1; minus strand). Cytogenetic location: 15q21.1.
Variant type: single nucleotide variant.
Coding change: c.1454G>A on transcript NM_000138.5 (MANE Select); coding-DNA position 1454, G replaced by A.
Protein change: p.Arg485His; replaces arginine 485 with histidine.
Molecular consequence: missense variant.
Genome position (GRCh38, 1-based): chr15:48,515,401, C>T on the plus strand (G>A on the coding strand, the complement: FBN1 is on the minus strand). VCF-style: chr15-48515401-C-T. GRCh37 (hg19) VCF-style: chr15-48807598-C-T.
Other names: c.1454G>A, p.Arg485His (NM_001406716.1); short protein forms R485H.
Identifiers: ClinVar variation 3075228 (VCV003075228.4), dbSNP rs371985966, ClinGen allele CA269558972.

ClinVar aggregate classification (germline): Uncertain significance. Review status: criteria provided, multiple submitters, no conflicts (2 of 4 stars). 4 submissions from 4 submitters: Uncertain significance (4). Last evaluated 2025-06-18.

Conditions:
Marfan syndrome (MFS). Also called: MARFAN SYNDROME, TYPE I; Marfan syndrome type 1; Marfan's syndrome; Marfan syndrome, classic; FBN1-Related Marfan Syndrome. Identifiers: Orphanet 284963, Orphanet 558, MedGen C0024796, MONDO:0007947, OMIM 154700.
Familial thoracic aortic aneurysm and aortic dissection (TAAD). Also called: Thoracic aortic aneurysms and dissections. Identifiers: Orphanet 91387, MedGen C4707243, MONDO:0019625.

Allele frequency attached by ClinVar (database versions not stated): gnomAD 0.00001; ESP Exome Variant Server 0.00008.
gnomAD v4.1: 10 of 1,613,840 alleles (0.00062%); highest among the groups gnomAD compares: East Asian, 0.0045%; no homozygotes.

Submissions (4):

GeneDx
Classification: Uncertain significance. Last evaluated: 2025-06-18. Review status: criteria provided, single submitter. Criteria: GeneDx Variant Classification Process June 2021. Collection method: clinical testing. Allele origin: germline. Affected: yes.
Comment: Not observed at significant frequency in large population cohorts (gnomAD); In silico analysis suggests that this missense variant does not alter protein structure/function; Has not been previously published as pathogenic or benign to our knowledge; This variant is associated with the following publications: (PMID: 12938084)

Color Diagnostics, LLC DBA Color Health
Classification: Uncertain significance for Familial thoracic aortic aneurysm and aortic dissection. Last evaluated: 2025-06-11. Review status: criteria provided, single submitter. Criteria: ACMG Guidelines, 2015. Collection method: clinical testing. Allele origin: germline.
Comment: This missense variant replaces arginine with histidine at codon 485 of the FBN1 protein. Computational prediction suggests that this variant may not impact protein structure and function. To our knowledge, functional studies have not been reported for this variant. This variant has not been reported in individuals affected with FBN1-related disorders in the literature. This variant has not been identified in the general population by the Genome Aggregation Database (gnomAD). The available evidence is insufficient to determine the role of this variant in disease conclusively. Therefore, this variant is classified as a Variant of Uncertain Significance.

Labcorp Genetics (formerly Invitae), Labcorp
Classification: Uncertain significance for Marfan syndrome; Familial thoracic aortic aneurysm and aortic dissection. Last evaluated: 2025-03-31. Review status: criteria provided, single submitter. Criteria: Invitae Variant Classification Sherloc (09022015). Collection method: clinical testing. Allele origin: germline.
Comment: This sequence change replaces arginine, which is basic and polar, with histidine, which is basic and polar, at codon 485 of the FBN1 protein (p.Arg485His). This variant is not present in population databases (gnomAD no frequency). This variant has not been reported in the literature in individuals affected with FBN1-related conditions. ClinVar contains an entry for this variant (Variation ID: 3075228). Invitae Evidence Modeling of protein sequence and biophysical properties (such as structural, functional, and spatial information, amino acid conservation, physicochemical variation, residue mobility, and thermodynamic stability) indicates that this missense variant is not expected to disrupt FBN1 protein function with a negative predictive value of 95%. In summary, the available evidence is currently insufficient to determine the role of this variant in disease. Therefore, it has been classified as a Variant of Uncertain Significance.

All of Us Research Program, National Institutes of Health
Classification: Uncertain significance for Marfan syndrome. Last evaluated: 2024-01-11. Review status: criteria provided, single submitter. Criteria: ACMG Guidelines, 2015. Collection method: clinical testing. Allele origin: germline. Inheritance: Autosomal dominant inheritance. Observed: 1 variant allele, 1 heterozygote.
Comment: This study involves interpretation of variants in research participants for the purpose of population health screening. Participant phenotype was not available at the time of variant classification. Additional details can be found in publication PMID: 35346344, PMCID: PMC8962531